The following is an entry in ClinVar:

ClinVar aggregate classification (germline): Conflicting classifications of pathogenicity. Review status: criteria provided, conflicting classifications (1 of 4 stars). 3 submissions from 3 submitters: Uncertain significance (1); Likely benign (1). 1 of the submissions does not count toward it. Last evaluated 2026-03-27.

Conditions:
Cohen syndrome (COH1). Also called: PEPPER SYNDROME; Cutis verticis gyrata, retinitis pigmentosa, and sensorineural deafness. Identifiers: Orphanet 193, MedGen C0265223, MONDO:0008999, OMIM 216550.
VPS13B-related disorder. Also called: VPS13B-related condition.

Allele frequency attached by ClinVar (database versions not stated): ExAC 0.00007; gnomAD exomes 0.00009 and 0.00004; gnomAD 0.00002; TOPMed 0.00005.
gnomAD v4.1: 127 of 1,612,354 alleles (0.0079%); highest among the groups gnomAD compares: Non-Finnish European, 0.01%; no homozygotes.

Submissions (3):

PreventionGenetics, part of Exact Sciences
Classification: Likely benign for VPS13B-related condition. Last evaluated: 2026-03-27. Review status: criteria provided, single submitter. Criteria: ACMG Guidelines, 2015. Collection method: clinical testing. Allele origin: germline.
Comment: This variant is classified as likely benign based on ACMG/AMP sequence variant interpretation guidelines (Richards et al. 2015 PMID: 25741868, with internal and published modifications).

Labcorp Genetics (formerly Invitae), Labcorp
Classification: Uncertain significance for Cohen syndrome. Last evaluated: 2025-05-04. Review status: criteria provided, single submitter. Criteria: Invitae Variant Classification Sherloc (09022015). Collection method: clinical testing. Allele origin: germline.
Comment: This sequence change falls in intron 16 of the VPS13B gene. It does not directly change the encoded amino acid sequence of the VPS13B protein. It affects a nucleotide within the consensus splice site. This variant is present in population databases (rs749105779, gnomAD 0.007%). This variant has not been reported in the literature in individuals affected with VPS13B-related conditions. ClinVar contains an entry for this variant (Variation ID: 964710). Variants that disrupt the consensus splice site are a relatively common cause of aberrant splicing (PMID: 17576681, 9536098). Algorithms developed to predict the effect of sequence changes on RNA splicing suggest that this variant is not likely to affect RNA splicing. In summary, the available evidence is currently insufficient to determine the role of this variant in disease. Therefore, it has been classified as a Variant of Uncertain Significance.

Natera, Inc.
Classification: Uncertain significance for Cohen syndrome. Last evaluated: 2019-10-29. Review status: no assertion criteria provided. Collection method: clinical testing. Allele origin: germline. Not counted in ClinVar's aggregate classification.

Literature cited by the submitters: PubMed 17576681 (cited by Labcorp Genetics (formerly Invitae), Labcorp); PubMed 9536098 (cited by Labcorp Genetics (formerly Invitae), Labcorp).

NM_152564.5(VPS13B):c.2334-3C>T

Gene: VPS13B (vacuolar protein sorting 13 homolog B; plus strand). Cytogenetic location: 8q22.2.
Variant type: single nucleotide variant.
Coding change: c.2334-3C>T on transcript NM_152564.5 (MANE Select); 3 bases into the intron before coding-DNA position 2334, C replaced by T.
Molecular consequence: intron variant.
Genome position (GRCh38, 1-based): chr8:99,192,873, C>T. VCF-style: chr8-99192873-C-T. GRCh37 (hg19) VCF-style: chr8-100205101-C-T.
Other names: c.2334-3C>T (NM_152564.4, NM_017890.5, NM_015243.3).
Identifiers: ClinVar variation 964710 (VCV000964710.8), dbSNP rs749105779, ClinGen allele CA4822890.